The following is an entry in ClinVar:

NM_000083.3(CLCN1):c.294A>C (p.Lys98Asn)

Gene: CLCN1 (chloride voltage-gated channel 1; plus strand). Cytogenetic location: 7q34.
Variant type: single nucleotide variant.
Coding change: c.294A>C on transcript NM_000083.3 (MANE Select); coding-DNA position 294, A replaced by C.
Protein change: p.Lys98Asn; replaces lysine 98 with asparagine.
Molecular consequence: missense variant. On other transcripts: non-coding transcript variant (1).
Genome position (GRCh38, 1-based): chr7:143,319,868, A>C. VCF-style: chr7-143319868-A-C. GRCh37 (hg19) VCF-style: chr7-143016961-A-C.
Other names: short protein forms K98N.
Identifiers: ClinVar variation 1972013 (VCV001972013.5), dbSNP rs1276263559, ClinGen allele CA369681162.

ClinVar aggregate classification (germline): Uncertain significance (1 of 4 stars; one submission).

Conditions:
Congenital myotonia, autosomal recessive form. Also called: BECKER DISEASE; Becker Generalized Myotonia; myotonia congenita, autosomal recessive. Identifiers: Orphanet 614, MedGen C0751360, MONDO:0009715, OMIM 255700.
Congenital myotonia, autosomal dominant form (THD). Also called: THOMSEN DISEASE; Myotonia congenita autosomal dominant. Identifiers: Orphanet 614, MedGen C2936781, MONDO:0008055, OMIM 160800.

Allele frequency attached by ClinVar (database versions not stated): gnomAD exomes below 0.00001.
gnomAD v4.1: 3 of 1,613,876 alleles (0.00019%); highest among the groups gnomAD compares: Admixed American, 0.0033%; no homozygotes.

Submission:

Labcorp Genetics (formerly Invitae), Labcorp
Classification: Uncertain significance for Congenital myotonia, autosomal recessive form; Congenital myotonia, autosomal dominant form. Last evaluated: 2022-10-13. Review status: criteria provided, single submitter. Criteria: Invitae Variant Classification Sherloc (09022015). Collection method: clinical testing. Allele origin: germline.
Comment: In summary, the available evidence is currently insufficient to determine the role of this variant in disease. Therefore, it has been classified as a Variant of Uncertain Significance. Advanced modeling of protein sequence and biophysical properties (such as structural, functional, and spatial information, amino acid conservation, physicochemical variation, residue mobility, and thermodynamic stability) has been performed at Invitae for this missense variant, however the output from this modeling did not meet the statistical confidence thresholds required to predict the impact of this variant on CLCN1 protein function. This variant has not been reported in the literature in individuals affected with CLCN1-related conditions. This variant is present in population databases (no rsID available, gnomAD 0.003%). This sequence change replaces lysine, which is basic and polar, with asparagine, which is neutral and polar, at codon 98 of the CLCN1 protein (p.Lys98Asn).